The following is an entry in ClinVar:

NM_003193.5(TBCE):c.1433T>C (p.Leu478Pro)

Genes: B3GALNT2 (beta-1,3-N-acetylgalactosaminyltransferase 2; minus strand), TBCE (tubulin folding cofactor E; plus strand). Cytogenetic location: 1q42.3.
Variant type: single nucleotide variant.
Coding change: c.1433T>C on transcript NM_003193.5 (MANE Select); coding-DNA position 1433, T replaced by C.
Protein change: p.Leu478Pro; replaces leucine 478 with proline.
Molecular consequence: missense variant. On other transcripts: 3 prime UTR variant (1).
Genome position (GRCh38, 1-based): chr1:235,448,382, T>C. VCF-style: chr1-235448382-T-C. GRCh37 (hg19) VCF-style: chr1-235611697-T-C.
Other names: c.*1824A>G (NM_152490.5); c.1433T>C, p.Leu478Pro (NM_001079515.3); c.1586T>C, p.Leu529Pro (NM_001287801.2); c.1094T>C, p.Leu365Pro (NM_001287802.2); short protein forms L478P, L529P, L365P.
Identifiers: ClinVar variation 2004825 (VCV002004825.4), dbSNP rs2527114767, ClinGen allele CA344951726.
Genomic context (GRCh38, chr1:235,448,382, plus strand): 5'-GAATGGACTTTTCTTGTCTTTTGATAGGCTCCATGACAATTCAAAAGGTGAAGGGATTGC[T>C]GTCACGTCTTCTCAAAGTTCCTGTGTCAGACCTTCTGTTGTCCTATGAAAGTCCCAAAGT-3'
Protein context (NP_003184.1, residues 468-488): SMTIQKVKGL[Leu478Pro]SRLLKVPVSD

ClinVar aggregate classification (germline): Uncertain significance (1 of 4 stars; one submission).

Submission:

Labcorp Genetics (formerly Invitae), Labcorp
Classification: Uncertain significance. Last evaluated: 2022-06-11. Review status: criteria provided, single submitter. Criteria: Invitae Variant Classification Sherloc (09022015). Collection method: clinical testing. Allele origin: germline.
Comment: This variant has not been reported in the literature in individuals affected with TBCE-related conditions. In summary, the available evidence is currently insufficient to determine the role of this variant in disease. Therefore, it has been classified as a Variant of Uncertain Significance. Algorithms developed to predict the effect of missense changes on protein structure and function (SIFT, PolyPhen-2, Align-GVGD) all suggest that this variant is likely to be disruptive. This variant is not present in population databases (gnomAD no frequency). This sequence change replaces leucine, which is neutral and non-polar, with proline, which is neutral and non-polar, at codon 478 of the TBCE protein (p.Leu478Pro).